The following is an entry in ClinVar:

NM_000204.5(CFI):c.737A>C (p.Asp246Ala)

Gene: CFI (complement factor I; minus strand). Cytogenetic location: 4q25.
Variant type: single nucleotide variant.
Coding change: c.737A>C on transcript NM_000204.5 (MANE Select); coding-DNA position 737, A replaced by C.
Protein change: p.Asp246Ala; replaces aspartic acid 246 with alanine.
Molecular consequence: missense variant. On other transcripts: non-coding transcript variant (3).
Genome position (GRCh38, 1-based): chr4:109,760,558, T>G on the plus strand (A>C on the coding strand, the complement: CFI is on the minus strand). VCF-style: chr4-109760558-T-G. GRCh37 (hg19) VCF-style: chr4-110681714-T-G.
Other names: c.737A>C, p.Asp246Ala (NM_001318057.2, NM_001331035.2, NM_001375278.1 and 10 more transcripts); c.128A>C, p.Asp43Ala (NM_001375284.1); short protein forms D246A, D43A.
Identifiers: ClinVar variation 4280452 (VCV004280452.2).

ClinVar aggregate classification (germline): Uncertain significance (1 of 4 stars; one submission).

Conditions:
CFI-related disorder. Also called: CFI-related condition; CFI-related disorders. Identifiers: MedGen CN239325.

Submission:

Genomenon, Inc
Classification: Uncertain significance for CFI-related disorder. Last evaluated: 2026-09-17. Review status: criteria provided, single submitter. Criteria: Genomenon Sequence Variant Interpretation Standards - Updated. Collection method: curation. Allele origin: germline. Affected: no.
Comment: CFI p.Asp246Ala (c.737A>C) is a missense variant that changes the amino acid at codon 246 from Aspartic acid to Alanine. This variant has been reported in the published literature (PMID:37363824). This variant is located in a mutational hotspot and/or important functional domain. It is absent or not present at a significant frequency in gnomAD. In silico models predict that this variant is possibly or probably damaging. In conclusion, we classify CFI p.Asp246Ala (c.737A>C) as a variant of uncertain significance.

Literature cited by the submitters: PubMed 37363824.